The following is an entry in ClinVar:

ClinVar aggregate classification (germline): Uncertain significance (1 of 4 stars; one submission).

Conditions:
Central core myopathy (CMYO1A). Also called: Central core disease; Myopathy, central fibrillar; CONGENITAL MYOPATHY 1A, AUTOSOMAL DOMINANT, WITH SUSCEPTIBILITY TO MALIGNANT HYPERTHERMIA. Identifiers: Orphanet 597, MedGen C5830701, MONDO:0007294, OMIM 117000.

gnomAD v4.1: 1 of 1,614,158 alleles (0.000062%); highest among the groups gnomAD compares: Non-Finnish European, 0.000085%; no homozygotes.

Submission:

Baylor Genetics
Classification: Uncertain significance for Central core myopathy. Last evaluated: 2018-01-29. Review status: criteria provided, single submitter. Criteria: ACMG Guidelines, 2015. Collection method: clinical testing. Allele origin: maternal. Affected: yes.
Comment: This variant was determined to be of uncertain significance according to ACMG Guidelines, 2015 [PMID:25741868].

NM_000540.3(RYR1):c.8223G>C (p.Glu2741Asp)

Gene: RYR1 (ryanodine receptor 1; plus strand). Cytogenetic location: 19q13.2.
Variant type: single nucleotide variant.
Coding change: c.8223G>C on transcript NM_000540.3 (MANE Select); coding-DNA position 8223, G replaced by C.
Protein change: p.Glu2741Asp; replaces glutamic acid 2741 with aspartic acid.
Molecular consequence: missense variant.
Genome position (GRCh38, 1-based): chr19:38,504,903, G>C. VCF-style: chr19-38504903-G-C. GRCh37 (hg19) VCF-style: chr19-38995543-G-C.
Other names: c.8223G>C, p.Glu2741Asp (NM_001042723.2); short protein forms E2741D.
Identifiers: ClinVar variation 1032423 (VCV001032423.1), dbSNP rs1970371040, ClinGen allele CA405677003.